The following is an entry in ClinVar:

ClinVar aggregate classification (germline): Uncertain significance (1 of 4 stars; one submission).

Conditions:
Joubert syndrome 20 (JBTS20). Identifiers: Orphanet 475, MedGen C3554235, MONDO:0013994, OMIM 614970.
Meckel syndrome, type 11 (MKS11). Identifiers: Orphanet 564, MedGen C3809352, MONDO:0014164, OMIM 615397.

Allele frequency attached by ClinVar (database versions not stated): TOPMed below 0.00001; gnomAD exomes 0.00001.

Submission:

Labcorp Genetics (formerly Invitae), Labcorp
Classification: Uncertain significance for Joubert syndrome 20; Meckel syndrome, type 11. Last evaluated: 2024-01-19. Review status: criteria provided, single submitter. Criteria: Invitae Variant Classification Sherloc (09022015). Collection method: clinical testing. Allele origin: germline.
Comment: This sequence change replaces valine, which is neutral and non-polar, with alanine, which is neutral and non-polar, at codon 288 of the TMEM231 protein (p.Val288Ala). This variant is not present in population databases (gnomAD no frequency). This variant has not been reported in the literature in individuals affected with TMEM231-related conditions. ClinVar contains an entry for this variant (Variation ID: 2103392). Experimental studies and prediction algorithms are not available or were not evaluated, and the functional significance of this variant is currently unknown. In summary, the available evidence is currently insufficient to determine the role of this variant in disease. Therefore, it has been classified as a Variant of Uncertain Significance.

NM_001077418.3(TMEM231):c.704T>C (p.Val235Ala)

Gene: TMEM231 (transmembrane protein 231; minus strand). Cytogenetic location: 16q23.1.
Variant type: single nucleotide variant.
Coding change: c.704T>C on transcript NM_001077418.3 (MANE Select); coding-DNA position 704, T replaced by C.
Protein change: p.Val235Ala; replaces valine 235 with alanine.
Molecular consequence: missense variant. On other transcripts: non-coding transcript variant (1).
Genome position (GRCh38, 1-based): chr16:75,541,416, A>G on the plus strand (T>C on the coding strand, the complement: TMEM231 is on the minus strand). VCF-style: chr16-75541416-A-G. GRCh37 (hg19) VCF-style: chr16-75575314-A-G.
Other names: c.863T>C, p.Val288Ala (NM_001077416.2); short protein forms V288A, V235A.
Identifiers: ClinVar variation 2103392 (VCV002103392.4), dbSNP rs1279598268, ClinGen allele CA396804428.